The following is an entry in ClinVar:

NM_182961.4(SYNE1):c.13768A>G (p.Asn4590Asp)

Gene: SYNE1 (spectrin repeat containing nuclear envelope protein 1; minus strand). Cytogenetic location: 6q25.2.
Variant type: single nucleotide variant.
Coding change: c.13768A>G on transcript NM_182961.4 (MANE Select); coding-DNA position 13768, A replaced by G.
Protein change: p.Asn4590Asp; replaces asparagine 4590 with aspartic acid.
Molecular consequence: missense variant.
Genome position (GRCh38, 1-based): chr6:152,330,917, T>C on the plus strand (A>G on the coding strand, the complement: SYNE1 is on the minus strand). VCF-style: chr6-152330917-T-C. GRCh37 (hg19) VCF-style: chr6-152652052-T-C.
Other names: c.13555A>G, p.Asn4519Asp (NM_033071.5); short protein forms N4590D, N4519D.
Identifiers: ClinVar variation 282206 (VCV000282206.51), dbSNP rs199761238, ClinGen allele CA4056126.
Genomic context (GRCh38, chr6:152,330,917, plus strand): 5'-CAAGAATGTTTTGGTATTTAGCCAGTTGTGTATGAAGCTCAGAACTCTCATTCATTAGGT[T>C]GATTTCAGGAAATGTAACAATATCTGCTTGTTTTAGCCAGTGGCAAGCTTTATCAAAATC-3'
Protein context (NP_892006.3, residues 4580-4600): QADIVTFPEI[Asn4590Asp]LMNESSELHT

ClinVar aggregate classification (germline): Conflicting classifications of pathogenicity. Review status: criteria provided, conflicting classifications (1 of 4 stars). 11 submissions from 10 submitters: Uncertain significance (6); Likely benign (3). 2 of the submissions do not count toward it. Last evaluated 2025-03-21.

Conditions:
Inborn genetic diseases. Identifiers: MedGen C0950123, MeSH D030342.
Autosomal recessive ataxia, Beauce type. Also called: ATAXIA, RECESSIVE, OF BEAUCE; Spinocerebellar ataxia, autosomal recessive 8; SYNE1-Related Autosomal Recessive Cerebellar Ataxia; SYNE1 Deficiency. Identifiers: Orphanet 88644, MedGen C1853116, MONDO:0012549, OMIM 610743.
Emery-Dreifuss muscular dystrophy 4, autosomal dominant (EDMD4). Also called: EMERY-DREIFUSS MUSCULAR DYSTROPHY 4 WITH VARIABLE FEATURES. Identifiers: Orphanet 261, MedGen C2751807, MONDO:0013071, OMIM 612998.

Allele frequency attached by ClinVar (database versions not stated): ExAC 0.00009; gnomAD exomes 0.00016 and 0.00041; gnomAD 0.00017 and 0.00019; TOPMed 0.00022.
gnomAD v4.1: 610 of 1,613,990 alleles (0.038%); highest among the groups gnomAD compares: Non-Finnish European, 0.049%; 1 homozygote.

Submissions (11):

GeneDx
Classification: Uncertain significance. Last evaluated: 2025-03-21. Review status: criteria provided, single submitter. Criteria: GeneDx Variant Classification Process June 2021. Collection method: clinical testing. Allele origin: germline. Affected: yes.
Comment: In silico analysis indicates that this missense variant does not alter protein structure/function; This variant is associated with the following publications: (PMID: 27378695, 29892087, 29961767, 34482403)

Labcorp Genetics (formerly Invitae), Labcorp
Classification: Uncertain significance for Emery-Dreifuss muscular dystrophy 4, autosomal dominant; Autosomal recessive ataxia, Beauce type. Last evaluated: 2025-01-01. Review status: criteria provided, single submitter. Criteria: Invitae Variant Classification Sherloc (09022015). Collection method: clinical testing. Allele origin: germline.
Comment: This sequence change replaces asparagine, which is neutral and polar, with aspartic acid, which is acidic and polar, at codon 4519 of the SYNE1 protein (p.Asn4519Asp). This variant is present in population databases (rs199761238, gnomAD 0.03%). This variant has not been reported in the literature in individuals affected with SYNE1-related conditions. ClinVar contains an entry for this variant (Variation ID: 282206). An algorithm developed to predict the effect of missense changes on protein structure and function (PolyPhen-2) suggests that this variant is likely to be disruptive. In summary, the available evidence is currently insufficient to determine the role of this variant in disease. Therefore, it has been classified as a Variant of Uncertain Significance.

Athena Diagnostics
Classification: Likely benign. Last evaluated: 2024-10-15. Review status: criteria provided, single submitter. Criteria: Athena Diagnostics Criteria. Collection method: clinical testing. Allele origin: unknown.

Ambry Genetics
Classification: Likely benign for Inborn genetic diseases. Last evaluated: 2024-05-30. Review status: criteria provided, single submitter. Criteria: Ambry Variant Classification Scheme 2023. Collection method: clinical testing. Allele origin: germline.

Revvity Omics, Revvity
Classification: Uncertain significance. Last evaluated: 2024-01-23. Review status: criteria provided, single submitter. Criteria: ACMG Guidelines, 2015. Collection method: clinical testing. Allele origin: germline.

CeGaT Center for Human Genetics Tuebingen
Classification: Uncertain significance. Last evaluated: 2024-01-01. Review status: criteria provided, single submitter. Criteria: CeGaT Center For Human Genetics Tuebingen Variant Classification Criteria Version 2. Collection method: clinical testing. Allele origin: germline. Affected: yes. Observed: 1 variant allele.
Comment: SYNE1: PM2:Supporting

Illumina Laboratory Services, Illumina
Classification: Uncertain significance for Autosomal recessive ataxia, Beauce type. Last evaluated: 2018-01-12. Review status: criteria provided, single submitter. Criteria: ICSL Variant Classification Criteria 13 December 2019. Collection method: clinical testing. Allele origin: germline.

Illumina Laboratory Services, Illumina
Classification: Likely benign for Emery-Dreifuss muscular dystrophy 4, autosomal dominant. Last evaluated: 2018-01-12. Review status: criteria provided, single submitter. Criteria: ICSL Variant Classification Criteria 13 December 2019. Collection method: clinical testing. Allele origin: germline.
Comment: This variant was observed in the ICSL laboratory as part of a predisposition screen in an ostensibly healthy population. It had not been previously curated by ICSL or reported in the Human Gene Mutation Database (HGMD: prior to June 1st, 2018), and was therefore a candidate for classification through an automated scoring system. Utilizing variant allele frequency, disease prevalence and penetrance estimates, and inheritance mode, an automated score was calculated to assess if this variant is too frequent to cause the disease. Based on the score and internal cut-off values, a variant classified as likely benign is not then subjected to further curation. The score for this variant resulted in a classification of likely benign for this disease.

Eurofins Ntd Llc (ga)
Classification: Uncertain significance. Last evaluated: 2016-08-26. Review status: criteria provided, single submitter. Criteria: EGL Classification Definitions 2015. Collection method: clinical testing. Allele origin: germline. Observed: 7 variant alleles, 7 heterozygotes.

Clinical Genetics DNA and cytogenetics Diagnostics Lab, Erasmus MC, Erasmus Medical Center
Classification: Uncertain significance. Review status: no assertion criteria provided. Collection method: clinical testing. Allele origin: germline. Affected: yes. Study: VKGL Data-share Consensus. Not counted in ClinVar's aggregate classification.

Genome Diagnostics Laboratory, Amsterdam University Medical Center
Classification: Uncertain significance. Review status: no assertion criteria provided. Collection method: clinical testing. Allele origin: germline. Affected: yes. Study: VKGL Data-share Consensus. Not counted in ClinVar's aggregate classification.

Literature cited by the submitters: PubMed 27378695 (cited by Athena Diagnostics); PubMed 29961767 (cited by Athena Diagnostics); PubMed 29892087 (cited by Athena Diagnostics); PubMed 34482403 (cited by Athena Diagnostics).